The following is an entry in ClinVar:

ClinVar aggregate classification (germline): Uncertain significance (1 of 4 stars; one submission).

Conditions:
Neuropathy, hereditary sensory and autonomic, type 2A (HSAN2A). Also called: ACROOSTEOLYSIS, GIACCAI TYPE; ACROOSTEOLYSIS, NEUROGENIC; MORVAN DISEASE; NEUROPATHY, CONGENITAL SENSORY; NEUROPATHY, HEREDITARY SENSORY RADICULAR, AUTOSOMAL RECESSIVE; NEUROPATHY, HEREDITARY SENSORY, TYPE IIA. Identifiers: Orphanet 970, MedGen C2752089, MONDO:0024309, OMIM 201300.
Generalized epilepsy with febrile seizures plus, type 7 (GEFSP7). Also called: GEFS+, TYPE 7. Identifiers: Orphanet 36387, MedGen C2751778, MONDO:0013470, OMIM 613863.

Submission:

Labcorp Genetics (formerly Invitae), Labcorp
Classification: Uncertain significance for Neuropathy, hereditary sensory and autonomic, type 2A; Generalized epilepsy with febrile seizures plus, type 7. Last evaluated: 2017-12-10. Review status: criteria provided, single submitter. Criteria: Invitae Variant Classification Sherloc (09022015). Collection method: clinical testing. Allele origin: germline.
Comment: This sequence change affects codon 300 of the SCN9A mRNA. It is a 'silent' change, meaning that it does not change the encoded amino acid sequence of the SCN9A protein. This variant is not present in population databases (ExAC no frequency). This variant has not been reported in the literature in individuals with SCN9A-related disease. Algorithms developed to predict the effect of sequence changes on RNA splicing suggest that this variant may disrupt the consensus splice site, but this prediction has not been confirmed by published transcriptional studies. In summary, the available evidence is currently insufficient to determine the role of this variant in disease. Therefore, it has been classified as a Variant of Uncertain Significance.

NM_001365536.1(SCN9A):c.900A>G (p.Arg300=)

Gene: SCN9A (sodium voltage-gated channel alpha subunit 9; minus strand). Cytogenetic location: 2q24.3.
Variant type: single nucleotide variant.
Coding change: c.900A>G on transcript NM_001365536.1 (MANE Select); coding-DNA position 900, A replaced by G.
Protein change: p.Arg300=; no amino-acid change (arginine 300 retained).
Molecular consequence: synonymous variant.
Genome position (GRCh38, 1-based): chr2:166,303,091, T>C on the plus strand (A>G on the coding strand, the complement: SCN9A is on the minus strand). VCF-style: chr2-166303091-T-C. GRCh37 (hg19) VCF-style: chr2-167159601-T-C.
Other names: c.900A>G, p.Arg300= (NM_002977.4).
Identifiers: ClinVar variation 538438 (VCV000538438.2), dbSNP rs1553495057, ClinGen allele CA429909858.